The following is an entry in ClinVar:

ClinVar aggregate classification (germline): Likely benign. Review status: criteria provided, multiple submitters, no conflicts (2 of 4 stars). 2 submissions from 2 submitters: Likely benign (2). Last evaluated 2025-04-08.

Conditions:
Tuberous sclerosis 1 (TSC1). Identifiers: Orphanet 805, MedGen C1854465, MONDO:0008612, OMIM 191100.

Allele frequency attached by ClinVar (database versions not stated): gnomAD exomes below 0.00001.
gnomAD v4.1: 1 of 1,614,166 alleles (0.000062%); highest among the groups gnomAD compares: East Asian, 0.0022%; no homozygotes.

Submissions (2):

Myriad Genetics, Inc.
Classification: Likely benign for Tuberous sclerosis 1. Last evaluated: 2025-04-08. Review status: criteria provided, single submitter. Criteria: Myriad Autosomal Dominant, Autosomal Recessive and X-Linked Classification Criteria (2023). Collection method: clinical testing. Allele origin: unknown.
Comment: This variant is considered likely benign. This variant is intronic and is not expected to impact mRNA splicing.

Labcorp Genetics (formerly Invitae), Labcorp
Classification: Likely benign for Tuberous sclerosis 1. Last evaluated: 2020-07-24. Review status: criteria provided, single submitter. Criteria: Invitae Variant Classification Sherloc (09022015). Collection method: clinical testing. Allele origin: germline.

NM_000368.5(TSC1):c.663+9A>G

Gene: TSC1 (TSC complex subunit 1; minus strand). Cytogenetic location: 9q34.13.
Variant type: single nucleotide variant.
Coding change: c.663+9A>G on transcript NM_000368.5 (MANE Select); 9 bases into the intron after coding-DNA position 663, A replaced by G.
Molecular consequence: intron variant.
Genome position (GRCh38, 1-based): chr9:132,921,810, T>C on the plus strand (A>G on the coding strand, the complement: TSC1 is on the minus strand). VCF-style: chr9-132921810-T-C. GRCh37 (hg19) VCF-style: chr9-135797197-T-C.
Other names: c.300+9A>G (NM_001362177.2); c.510+9A>G (NM_001162427.2); c.663+9A>G (NM_001162426.2).
Identifiers: ClinVar variation 765242 (VCV000765242.11), dbSNP rs1240986386, ClinGen allele CA591050535.